The following is an entry in ClinVar:

ClinVar aggregate classification (germline): other (0 of 4 stars; one submission).

Conditions:
Familial colorectal cancer. Identifiers: MedGen CN280943, MONDO:0023113. Disease mechanism: loss of function.

Allele frequency attached by ClinVar (database versions not stated): gnomAD 0.38502 and 0.39806; TOPMed 0.40573; 1000 Genomes Project 30x 0.43863; 1000 Genomes Project 0.44309.
gnomAD v4.1: 60,508 of 151,536 alleles (40%); highest among the groups gnomAD compares: East Asian, 69%; 14,352 homozygotes.

Submission:

Systems Biology Platform Zhejiang California International NanoSystems Institute
Classification: other for Familial colorectal cancer. Review status: no assertion criteria provided. Collection method: not provided. Allele origin: unknown.
ClinVar note: Converted during submission from cancer to other.

NM_000038.6(APC):c.730-1886G>A

Gene: APC (APC regulator of WNT signaling pathway; plus strand). Cytogenetic location: 5q22.2.
Variant type: single nucleotide variant.
Coding change: c.730-1886G>A on transcript NM_000038.6 (MANE Select); 1886 bases into the intron before coding-DNA position 730, G replaced by A.
Molecular consequence: intron variant.
Genome position (GRCh38, 1-based): chr5:112,799,393, G>A. VCF-style: chr5-112799393-G-A. GRCh37 (hg19) VCF-style: chr5-112135090-G-A.
Other names: c.730-1886G>A (NM_001354895.2, NM_001127510.3, NM_001354896.2 and 1 more transcripts); c.760-1886G>A (NM_001354897.2, NM_001354902.2); c.676-1886G>A (NM_001127511.3); c.655-1886G>A (NM_001354898.2, NM_001354904.2); c.-306-1886G>A (NM_001354906.2); c.646-1886G>A (NM_001354899.2); c.553-1886G>A (NM_001354900.2, NM_001354901.2, NM_001354905.2).
Identifiers: ClinVar variation 83031 (VCV000083031.2), dbSNP rs518013, ClinGen allele CA013412.